The following is an entry in ClinVar:

ClinVar aggregate classification (germline): Uncertain significance. Review status: criteria provided, multiple submitters, no conflicts (2 of 4 stars). 2 submissions from 2 submitters: Uncertain significance (2). Last evaluated 2025-02-12.

Conditions:
Inborn genetic diseases. Identifiers: MedGen C0950123, MeSH D030342.

gnomAD v4.1: 2 of 1,613,894 alleles (0.00012%); highest among the groups gnomAD compares: Admixed American, 0.0033%; no homozygotes.

Submissions (2):

Ambry Genetics
Classification: Uncertain significance for Inborn genetic diseases. Last evaluated: 2025-02-12. Review status: criteria provided, single submitter. Criteria: Ambry Variant Classification Scheme 2023. Collection method: clinical testing. Allele origin: germline.

Labcorp Genetics (formerly Invitae), Labcorp
Classification: Uncertain significance. Last evaluated: 2024-05-23. Review status: criteria provided, single submitter. Criteria: Invitae Variant Classification Sherloc (09022015). Collection method: clinical testing. Allele origin: germline.
Comment: This sequence change replaces isoleucine, which is neutral and non-polar, with phenylalanine, which is neutral and non-polar, at codon 1346 of the DUOX2 protein (p.Ile1346Phe). This variant is present in population databases (no rsID available, gnomAD 0.003%). This variant has not been reported in the literature in individuals affected with DUOX2-related conditions. Advanced modeling of protein sequence and biophysical properties (such as structural, functional, and spatial information, amino acid conservation, physicochemical variation, residue mobility, and thermodynamic stability) performed at Invitae indicates that this missense variant is not expected to disrupt DUOX2 protein function with a negative predictive value of 80%. In summary, the available evidence is currently insufficient to determine the role of this variant in disease. Therefore, it has been classified as a Variant of Uncertain Significance.

NM_001363711.2(DUOX2):c.4036A>T (p.Ile1346Phe)

Gene: DUOX2 (dual oxidase 2; minus strand). Cytogenetic location: 15q21.1.
Variant type: single nucleotide variant.
Coding change: c.4036A>T on transcript NM_001363711.2 (MANE Select); coding-DNA position 4036, A replaced by T.
Protein change: p.Ile1346Phe; replaces isoleucine 1346 with phenylalanine.
Molecular consequence: missense variant.
Genome position (GRCh38, 1-based): chr15:45,095,872, T>A on the plus strand (A>T on the coding strand, the complement: DUOX2 is on the minus strand). VCF-style: chr15-45095872-T-A. GRCh37 (hg19) VCF-style: chr15-45388070-T-A.
Other names: c.4036A>T, p.Ile1346Phe (NM_014080.5); c.4036A>T (NM_014080.4); short protein forms I1346F.
Identifiers: ClinVar variation 3694499 (VCV003694499.3).
Genomic context (GRCh38, chr15:45,095,872, plus strand): 5'-TCCCAGTGACGGGCACCTTTGGGTATCCAGCACAGCCATTGCCCTTTGGGGATGAGTAGA[T>A]CTCCCTGAGGCGAGTGGTCCAGGGCCCCACTGCCCGGATGTGCAGGCTGAGTGTGTCCTC-3'
Protein context (NP_001350640.1, residues 1336-1356): VGPWTTRLRE[Ile1346Phe]YSSPKGNGCA